The following is an entry in ClinVar:

ClinVar aggregate classification (germline): Pathogenic (1 of 4 stars; one submission).

Conditions:
Paget disease of bone 2, early-onset (PDB2). Also called: Paget disease of bone 2. Identifiers: MedGen C4085251, MONDO:0011183, OMIM 602080.
Frontotemporal dementia and/or amyotrophic lateral sclerosis 1 (FTDALS1). Also called: C9orf72 Frontotemporal Dementia and/or Amyotrophic Lateral Sclerosis; Frontotemporal dementia with motor neuron disease 1. Identifiers: Orphanet 275872, MedGen C5779877, MONDO:0007105, OMIM 105550.

Submission:

Labcorp Genetics (formerly Invitae), Labcorp
Classification: Pathogenic for Paget disease of bone 2, early-onset; Frontotemporal dementia and/or amyotrophic lateral sclerosis 1. Last evaluated: 2022-07-19. Review status: criteria provided, single submitter. Criteria: Invitae Variant Classification Sherloc (09022015). Collection method: clinical testing. Allele origin: germline.
Comment: For these reasons, this variant has been classified as Pathogenic. This variant has not been reported in the literature in individuals affected with SQSTM1-related conditions. This variant is not present in population databases (gnomAD no frequency). This sequence change creates a premature translational stop signal (p.Ser272*) in the SQSTM1 gene. It is expected to result in an absent or disrupted protein product. Loss-of-function variants in SQSTM1 are known to be pathogenic (PMID: 27545679, 29959261).

Literature cited by the submitters: PubMed 27545679; PubMed 29959261.

NM_003900.5(SQSTM1):c.815_818del (p.Val271_Ser272insTer)

Gene: SQSTM1 (sequestosome 1; plus strand). Cytogenetic location: 5q35.3.
Variant type: Deletion.
Coding change: c.815_818del on transcript NM_003900.5 (MANE Select); coding-DNA positions 815 to 818, 4 bases deleted (CTCC; older notation c.815_818delCTCC).
Protein change: p.Val271_Ser272insTer.
Molecular consequence: nonsense.
Genome position (GRCh38, 1-based): chr5:179,833,092-179,833,095, CTCC deleted. VCF-style (leftmost placement, unchanged base first): chr5-179833091-TCTCC-T. GRCh37 (hg19) VCF-style: chr5-179260091-TCTCC-T.
Other names: c.563_566del, p.Val187_Ser188insTer (NM_001142298.2, NM_001142299.2).
Identifiers: ClinVar variation 1912117 (VCV001912117.5), dbSNP rs2480244186, ClinGen allele CA2580074130.